The following is an entry in ClinVar:

NM_213655.5(WNK1):c.2701A>G (p.Ile901Val)

Gene: WNK1 (WNK lysine deficient protein kinase 1; plus strand). Cytogenetic location: 12p13.33.
Variant type: single nucleotide variant.
Coding change: c.2701A>G on transcript NM_213655.5 (MANE Plus Clinical); coding-DNA position 2701, A replaced by G.
Protein change: p.Ile901Val; replaces isoleucine 901 with valine.
Molecular consequence: missense variant. On other transcripts: intron variant (2).
Genome position (GRCh38, 1-based): chr12:868,172, A>G. VCF-style: chr12-868172-A-G. GRCh37 (hg19) VCF-style: chr12-977338-A-G.
Other names: c.2446A>G, p.Ile816Val (NM_001184985.2); c.2140-3093A>G (NM_018979.4, NM_014823.3); short protein forms I901V, I816V.
Identifiers: ClinVar variation 1387502 (VCV001387502.6), dbSNP rs142624740, ClinGen allele CA6382225.
Genomic context (GRCh38, chr12:868,172, plus strand): 5'-CCAGAGGCCGTAGTTATGTTGGGTACTACAGCCAGTAGAGTAACTGGAGAGTCATGTGAG[A>G]TACAGGTCCATCCTATGTTTGAACCATCTCAAGTTTACAGTGACTATAGACCTGGACTAG-3'
Protein context (NP_998820.3, residues 891-911): ASRVTGESCE[Ile901Val]QVHPMFEPSQ

ClinVar aggregate classification (germline): Uncertain significance (1 of 4 stars; one submission).

Conditions:
Neuropathy, hereditary sensory and autonomic, type 2A (HSAN2A). Also called: ACROOSTEOLYSIS, GIACCAI TYPE; ACROOSTEOLYSIS, NEUROGENIC; MORVAN DISEASE; NEUROPATHY, CONGENITAL SENSORY; NEUROPATHY, HEREDITARY SENSORY RADICULAR, AUTOSOMAL RECESSIVE; NEUROPATHY, HEREDITARY SENSORY, TYPE IIA. Identifiers: Orphanet 970, MedGen C2752089, MONDO:0024309, OMIM 201300.
Pseudohypoaldosteronism type 2C (PHA2C). Also called: Pseudohypoaldosteronism Type IIC. Identifiers: Orphanet 757, Orphanet 88940, MedGen C1840391, MONDO:0013778, OMIM 614492.

gnomAD v4.1: 8 of 1,613,898 alleles (0.0005%); highest among the groups gnomAD compares: Admixed American, 0.013%; no homozygotes.

Submission:

Labcorp Genetics (formerly Invitae), Labcorp
Classification: Uncertain significance for Neuropathy, hereditary sensory and autonomic, type 2A; Pseudohypoaldosteronism type 2C. Last evaluated: 2021-11-04. Review status: criteria provided, single submitter. Criteria: Invitae Variant Classification Sherloc (09022015). Collection method: clinical testing. Allele origin: germline.
Comment: In summary, the available evidence is currently insufficient to determine the role of this variant in disease. Therefore, it has been classified as a Variant of Uncertain Significance. Algorithms developed to predict the effect of sequence changes on RNA splicing suggest that this variant may create or strengthen a splice site. Advanced modeling of protein sequence and biophysical properties (such as structural, functional, and spatial information, amino acid conservation, physicochemical variation, residue mobility, and thermodynamic stability) performed at Invitae indicates that this missense variant is not expected to disrupt WNK1 protein function. This variant has not been reported in the literature in individuals affected with WNK1-related conditions. This variant is present in population databases (rs142624740, gnomAD 0.02%). This sequence change replaces isoleucine, which is neutral and non-polar, with valine, which is neutral and non-polar, at codon 901 of the WNK1 protein (p.Ile901Val).